The following is an entry in ClinVar:

NM_000051.4(ATM):c.398A>T (p.Asn133Ile)

Gene: ATM (ATM serine/threonine kinase; plus strand). Cytogenetic location: 11q22.3.
Variant type: single nucleotide variant.
Coding change: c.398A>T on transcript NM_000051.4 (MANE Select); coding-DNA position 398, A replaced by T.
Protein change: p.Asn133Ile; replaces asparagine 133 with isoleucine.
Molecular consequence: missense variant.
Genome position (GRCh38, 1-based): chr11:108,235,736, A>T. VCF-style: chr11-108235736-A-T. GRCh37 (hg19) VCF-style: chr11-108106463-A-T.
Other names: p.N133I:AAT>ATT; c.398A>T, p.Asn133Ile (NM_001351834.2); short protein forms N133I.
Identifiers: ClinVar variation 181903 (VCV000181903.29), dbSNP rs730881330, ClinGen allele CA298093.

ClinVar aggregate classification (germline): Conflicting classifications of pathogenicity. Review status: criteria provided, conflicting classifications (1 of 4 stars). 7 submissions from 7 submitters: Uncertain significance (5); Likely benign (1). 1 of the submissions does not count toward it. Last evaluated 2026-01-14.

Conditions:
ATM-related cancer predisposition. Also called: ATM-related cancer susceptibility. Identifiers: MedGen CN377759, MONDO:0700270.
Hereditary cancer-predisposing syndrome. Also called: Neoplastic Syndromes, Hereditary; Hereditary neoplastic syndrome; Tumor predisposition; Hereditary Cancer Syndrome. Identifiers: Orphanet 140162, MedGen C0027672, MeSH D009386, MONDO:0015356.
Ataxia-telangiectasia syndrome (AT). Also called: LOUIS-BAR SYNDROME; Ataxia-telangiectasia, complementation group D; AT, COMPLEMENTATION GROUP C; ATAXIA-TELANGIECTASIA, COMPLEMENTATION GROUP A; ATAXIA-TELANGIECTASIA, FRESNO VARIANT; Ataxia-telangiectasia. Identifiers: Orphanet 100, MedGen C0004135, MONDO:0008840, OMIM 208900.

gnomAD v4.1: 2 of 1,612,698 alleles (0.00012%); highest among the groups gnomAD compares: Non-Finnish European, 0.00017%; no homozygotes.

Submissions (7):

Labcorp Genetics (formerly Invitae), Labcorp
Classification: Likely benign for Ataxia-telangiectasia syndrome. Last evaluated: 2026-01-14. Review status: criteria provided, single submitter. Criteria: Invitae Variant Classification Sherloc (09022015). Collection method: clinical testing. Allele origin: germline.

Dasa
Classification: Uncertain significance for ATM-related cancer predisposition. Last evaluated: 2025-11-26. Review status: criteria provided, single submitter. Criteria: DASA Assertion Criteria. Collection method: clinical testing. Allele origin: germline.
Comment: NM_000051.4(ATM):c.398A>T (p.Asn133Ile) is a missense variant that results in the substitution of asparagine with isoleucine. This variant is rare in population databases. Computational prediction algorithms are consistent with a benign effect. The currently available literature and clinical evidence are not sufficient to establish a definitive association between this variant and the reported condition. Therefore, this variant is classified as a variant of uncertain significance.

GeneDx
Classification: Uncertain significance. Last evaluated: 2024-09-13. Review status: criteria provided, single submitter. Criteria: GeneDx Variant Classification Process June 2021. Collection method: clinical testing. Allele origin: germline. Affected: yes.
Comment: Not observed at significant frequency in large population cohorts (gnomAD); In silico analysis indicates that this missense variant does not alter protein structure/function; Has not been previously published as pathogenic or benign to our knowledge; This variant is associated with the following publications: (PMID: 33471991)

Ambry Genetics
Classification: Uncertain significance for Hereditary cancer-predisposing syndrome. Last evaluated: 2023-08-29. Review status: criteria provided, single submitter. Criteria: Ambry Variant Classification Scheme 2023. Collection method: clinical testing. Allele origin: germline.
Comment: The p.N133I variant (also known as c.398A>T), located in coding exon 4 of the ATM gene, results from an A to T substitution at nucleotide position 398. The asparagine at codon 133 is replaced by isoleucine, an amino acid with dissimilar properties. This amino acid position is poorly conserved in available vertebrate species. In addition, this alteration is predicted to be tolerated by in silico analysis. Since supporting evidence is limited at this time, the clinical significance of this alteration remains unclear.

Color Diagnostics, LLC DBA Color Health
Classification: Uncertain significance for Hereditary cancer-predisposing syndrome. Last evaluated: 2022-02-28. Review status: criteria provided, single submitter. Criteria: ACMG Guidelines, 2015. Collection method: clinical testing. Allele origin: germline.
Comment: This missense variant replaces asparagine with isoleucine at codon 133 of the ATM protein. Computational prediction suggests that this variant may not impact protein structure and function (internally defined REVEL score threshold <= 0.5, PMID: 27666373). To our knowledge, functional studies have not been reported for this variant. In a large international case-control study, this variant was reported in 0/60466 breast cancer cases and 1/53460 controls (PMID: 33471991). This variant has been identified in 1/251286 chromosomes in the general population by the Genome Aggregation Database (gnomAD). The available evidence is insufficient to determine the role of this variant in disease conclusively. Therefore, this variant is classified as a Variant of Uncertain Significance.

Women's Health and Genetics/Laboratory Corporation of America, LabCorp
Classification: Uncertain significance. Last evaluated: 2019-01-15. Review status: criteria provided, single submitter. Criteria: LabCorp Variant Classification Summary - May 2015. Collection method: clinical testing. Allele origin: germline.
Comment: Variant summary: ATM c.398A>T (p.Asn133Ile) results in a non-conservative amino acid change in the telomere-length maintenance and DNA damage repair domain (IPR021668) of the encoded protein sequence. Three of five in-silico tools predict a benign effect of the variant on protein function. The variant allele was found at a frequency of 4.1e-06 in 246066 control chromosomes (gnomAD). The available data on variant occurrences in the general population are insufficient to allow any conclusion about variant significance. To our knowledge, no occurrence of c.398A>T in individuals affected with Ataxia-Telangiectasia and no experimental evidence demonstrating its impact on protein function have been reported. Two clinical diagnostic laboratories have submitted clinical-significance assessments for this variant to ClinVar after 2014 without evidence for independent evaluation, and both of them classified the variant as uncertain significance. Based on the evidence outlined above, the variant was classified as uncertain significance.

Natera, Inc.
Classification: Uncertain significance for Ataxia-telangiectasia. Last evaluated: 2021-09-25. Review status: no assertion criteria provided. Collection method: clinical testing. Allele origin: germline. Not counted in ClinVar's aggregate classification.

Literature cited by the submitters: PubMed 33471991 (cited by Color Diagnostics, LLC DBA Color Health).